The following is an entry in ClinVar:

ClinVar aggregate classification (germline): Conflicting classifications of pathogenicity. Review status: criteria provided, conflicting classifications (1 of 4 stars). 3 submissions from 3 submitters: Uncertain significance (2); Likely benign (1). Last evaluated 2026-01-01.

Conditions:
Dilated cardiomyopathy 1W (CMD1W). Identifiers: Orphanet 154, MedGen C1969639, MONDO:0012667, OMIM 611407.
Cardiovascular phenotype. Identifiers: MedGen CN230736.
VCL-related disorder. Also called: VCL-related condition.

Allele frequency attached by ClinVar (database versions not stated): gnomAD exomes below 0.00001 and 0.00001; TOPMed 0.00002; gnomAD 0.00004.
gnomAD v4.1: 9 of 1,613,692 alleles (0.00056%); highest among the groups gnomAD compares: African/African-American, 0.008%; no homozygotes.

Submissions (3):

Labcorp Genetics (formerly Invitae), Labcorp
Classification: Uncertain significance for Dilated cardiomyopathy 1W. Last evaluated: 2026-01-01. Review status: criteria provided, single submitter. Criteria: Invitae Variant Classification Sherloc (09022015). Collection method: clinical testing. Allele origin: germline.
Comment: This sequence change falls in intron 9 of the VCL gene. It does not directly change the encoded amino acid sequence of the VCL protein. It affects a nucleotide within the consensus splice site. This variant is present in population databases (no rsID available, gnomAD 0.008%). This variant has not been reported in the literature in individuals affected with VCL-related conditions. ClinVar contains an entry for this variant (Variation ID: 955645). Variants that disrupt the consensus splice site are a relatively common cause of aberrant splicing (PMID: 17576681, 9536098). Algorithms developed to predict the effect of sequence changes on RNA splicing suggest that this variant is not likely to affect RNA splicing. In summary, the available evidence is currently insufficient to determine the role of this variant in disease. Therefore, it has been classified as a Variant of Uncertain Significance.

PreventionGenetics, part of Exact Sciences
Classification: Likely benign for VCL-related condition. Last evaluated: 2025-03-31. Review status: criteria provided, single submitter. Criteria: ACMG Guidelines, 2015. Collection method: clinical testing. Allele origin: germline.
Comment: This variant is classified as likely benign based on ACMG/AMP sequence variant interpretation guidelines (Richards et al. 2015 PMID: 25741868, with internal and published modifications).

Ambry Genetics
Classification: Uncertain significance for Cardiovascular phenotype. Last evaluated: 2022-07-26. Review status: criteria provided, single submitter. Criteria: Ambry Variant Classification Scheme 2023. Collection method: clinical testing. Allele origin: germline.
Comment: The c.1176+4G>C intronic variant results from a G to C substitution 4 nucleotides after coding exon 9 in the VCL gene. This nucleotide position is not well conserved in available vertebrate species. In silico splice site analysis predicts that this alteration will not have any significant effect on splicing. Since supporting evidence is limited at this time, the clinical significance of this alteration remains unclear.

Literature cited by the submitters: PubMed 17576681 (cited by Labcorp Genetics (formerly Invitae), Labcorp); PubMed 9536098 (cited by Labcorp Genetics (formerly Invitae), Labcorp).

NM_014000.3(VCL):c.1176+4G>C

Gene: VCL (vinculin; plus strand). Cytogenetic location: 10q22.2.
Variant type: single nucleotide variant.
Coding change: c.1176+4G>C on transcript NM_014000.3 (MANE Select); 4 bases into the intron after coding-DNA position 1176, G replaced by C.
Molecular consequence: intron variant.
Genome position (GRCh38, 1-based): chr10:74,089,353, G>C. VCF-style: chr10-74089353-G-C. GRCh37 (hg19) VCF-style: chr10-75849111-G-C.
Other names: c.1176+4G>C (NM_003373.4).
Identifiers: ClinVar variation 955645 (VCV000955645.12), dbSNP rs1286302808, ClinGen allele CA594396384.